The following is an entry in ClinVar:

ClinVar aggregate classification (germline): Uncertain significance (1 of 4 stars; one submission).

Conditions:
Werner syndrome (WRN). Identifiers: Orphanet 902, MedGen C0043119, MONDO:0010196, OMIM 277700.

Allele frequency attached by ClinVar (database versions not stated): gnomAD exomes below 0.00001.
gnomAD v4.1: 2 of 1,614,000 alleles (0.00012%); highest among the groups gnomAD compares: Non-Finnish European, 0.00017%; no homozygotes.

Submission:

Labcorp Genetics (formerly Invitae), Labcorp
Classification: Uncertain significance for Werner syndrome. Last evaluated: 2022-12-03. Review status: criteria provided, single submitter. Criteria: Invitae Variant Classification Sherloc (09022015). Collection method: clinical testing. Allele origin: germline.
Comment: In summary, the available evidence is currently insufficient to determine the role of this variant in disease. Therefore, it has been classified as a Variant of Uncertain Significance. Algorithms developed to predict the effect of missense changes on protein structure and function output the following: SIFT: "Not Available"; PolyPhen-2: "Benign"; Align-GVGD: "Not Available". The glutamic acid amino acid residue is found in multiple mammalian species, which suggests that this missense change does not adversely affect protein function. This variant has not been reported in the literature in individuals affected with WRN-related conditions. This variant is not present in population databases (gnomAD no frequency). This sequence change replaces aspartic acid, which is acidic and polar, with glutamic acid, which is acidic and polar, at codon 344 of the WRN protein (p.Asp344Glu).

NM_000553.6(WRN):c.1032T>G (p.Asp344Glu)

Gene: WRN (WRN RecQ like helicase; plus strand). Cytogenetic location: 8p12.
Variant type: single nucleotide variant.
Coding change: c.1032T>G on transcript NM_000553.6 (MANE Select); coding-DNA position 1032, T replaced by G.
Protein change: p.Asp344Glu; replaces aspartic acid 344 with glutamic acid.
Molecular consequence: missense variant.
Genome position (GRCh38, 1-based): chr8:31,081,059, T>G. VCF-style: chr8-31081059-T-G. GRCh37 (hg19) VCF-style: chr8-30938575-T-G.
Other names: short protein forms D344E.
Identifiers: ClinVar variation 2818361 (VCV002818361.3), dbSNP rs2535910491, ClinGen allele CA370920344.